The following is an entry in ClinVar:

ClinVar aggregate classification (germline): Uncertain significance (1 of 4 stars; one submission).

Conditions:
PHIP-related disorder. Also called: PHIP-related condition; PHIP-related disorders.

Submission:

PreventionGenetics, part of Exact Sciences
Classification: Uncertain significance for PHIP-related condition. Last evaluated: 2026-08-20. Review status: criteria provided, single submitter. Criteria: ACMG Guidelines, 2015. Collection method: clinical testing. Allele origin: germline.
Comment: The PHIP c.2206C>G variant is predicted to result in the amino acid substitution p.Gln736Glu. To our knowledge, this variant has not been reported in the literature or in a large population database (gnomAD), indicating this variant is rare. At this time, the clinical significance of this variant is uncertain due to the absence of conclusive functional and genetic evidence.

NM_017934.7(PHIP):c.2206C>G (p.Gln736Glu)

Gene: PHIP (PHIP subunit of CUL4-Ring ligase complex; minus strand). Cytogenetic location: 6q14.1.
Variant type: single nucleotide variant.
Coding change: c.2206C>G on transcript NM_017934.7 (MANE Select); coding-DNA position 2206, C replaced by G.
Protein change: p.Gln736Glu; replaces glutamine 736 with glutamic acid.
Molecular consequence: missense variant.
Genome position (GRCh38, 1-based): chr6:78,990,981, G>C on the plus strand (C>G on the coding strand, the complement: PHIP is on the minus strand). VCF-style: chr6-78990981-G-C. GRCh37 (hg19) VCF-style: chr6-79700698-G-C.
Other names: short protein forms Q736E.
Identifiers: ClinVar variation 4996483 (VCV004996483.1).